The following is an entry in ClinVar:

ClinVar aggregate classification (germline): Uncertain significance (1 of 4 stars; one submission).

Submission:

Labcorp Genetics (formerly Invitae), Labcorp
Classification: Uncertain significance. Last evaluated: 2020-01-28. Review status: criteria provided, single submitter. Criteria: Invitae Variant Classification Sherloc (09022015). Collection method: clinical testing. Allele origin: germline.
Comment: This sequence change replaces glutamine with arginine at codon 254 of the TPP1 protein (p.Gln254Arg). The glutamine residue is moderately conserved and there is a small physicochemical difference between glutamine and arginine. This variant is not present in population databases (ExAC no frequency). This variant has not been reported in the literature in individuals with TPP1-related conditions. Algorithms developed to predict the effect of missense changes on protein structure and function (SIFT, PolyPhen-2, Align-GVGD) all suggest that this variant is likely to be tolerated, but these predictions have not been confirmed by published functional studies and their clinical significance is uncertain. In summary, the available evidence is currently insufficient to determine the role of this variant in disease. Therefore, it has been classified as a Variant of Uncertain Significance.

NM_000391.4(TPP1):c.761A>G (p.Gln254Arg)

Gene: TPP1 (tripeptidyl peptidase 1; minus strand). Cytogenetic location: 11p15.4.
Variant type: single nucleotide variant.
Coding change: c.761A>G on transcript NM_000391.4 (MANE Select); coding-DNA position 761, A replaced by G.
Protein change: p.Gln254Arg; replaces glutamine 254 with arginine.
Molecular consequence: missense variant.
Genome position (GRCh38, 1-based): chr11:6,616,786, T>C on the plus strand (A>G on the coding strand, the complement: TPP1 is on the minus strand). VCF-style: chr11-6616786-T-C. GRCh37 (hg19) VCF-style: chr11-6638017-T-C.
Other names: short protein forms Q254R.
Identifiers: ClinVar variation 937066 (VCV000937066.9), dbSNP rs1855592653, ClinGen allele CA379475117.